The following is an entry in ClinVar:

ClinVar aggregate classification (germline): Uncertain significance (1 of 4 stars; one submission).

Conditions:
Autosomal dominant childhood-onset proximal spinal muscular atrophy with contractures (SMALED2A). Also called: SPINAL MUSCULAR ATROPHY, LOWER EXTREMITY-PREDOMINANT, 2A, CHILDHOOD ONSET, AUTOSOMAL DOMINANT; Spinal muscular atrophy, lower extremity-predominant, 2A, autosomal dominant. Identifiers: Orphanet 363447, Orphanet 363454, MedGen C4747715, MONDO:0014121, OMIM 615290.

Allele frequency attached by ClinVar (database versions not stated): gnomAD 0.00001.

Submission:

Labcorp Genetics (formerly Invitae), Labcorp
Classification: Uncertain significance for Autosomal dominant childhood-onset proximal spinal muscular atrophy with contractures. Last evaluated: 2022-04-28. Review status: criteria provided, single submitter. Criteria: Invitae Variant Classification Sherloc (09022015). Collection method: clinical testing. Allele origin: germline.
Comment: In summary, the available evidence is currently insufficient to determine the role of this variant in disease. Therefore, it has been classified as a Variant of Uncertain Significance. Advanced modeling of protein sequence and biophysical properties (such as structural, functional, and spatial information, amino acid conservation, physicochemical variation, residue mobility, and thermodynamic stability) performed at Invitae indicates that this missense variant is not expected to disrupt BICD2 protein function. This variant has not been reported in the literature in individuals affected with BICD2-related conditions. This variant is not present in population databases (gnomAD no frequency). This sequence change replaces proline, which is neutral and non-polar, with leucine, which is neutral and non-polar, at codon 19 of the BICD2 protein (p.Pro19Leu).

NM_001003800.2(BICD2):c.56C>T (p.Pro19Leu)

Gene: BICD2 (BICD cargo adaptor 2; minus strand). Cytogenetic location: 9q22.31.
Variant type: single nucleotide variant.
Coding change: c.56C>T on transcript NM_001003800.2 (MANE Select); coding-DNA position 56, C replaced by T.
Protein change: p.Pro19Leu; replaces proline 19 with leucine.
Molecular consequence: missense variant.
Genome position (GRCh38, 1-based): chr9:92,764,689, G>A on the plus strand (C>T on the coding strand, the complement: BICD2 is on the minus strand). VCF-style: chr9-92764689-G-A. GRCh37 (hg19) VCF-style: chr9-95526971-G-A.
Other names: c.56C>T, p.Pro19Leu (NM_015250.4); short protein forms P19L.
Identifiers: ClinVar variation 1955051 (VCV001955051.5), dbSNP rs1854445710, ClinGen allele CA374033037.